The following is an entry in ClinVar:

ClinVar aggregate classification (germline): Pathogenic (1 of 4 stars; one submission).

Conditions:
Joubert syndrome. Also called: CEREBELLOPARENCHYMAL DISORDER IV; JOUBERT-BOLTSHAUSER SYNDROME; Familial aplasia of the vermis. Identifiers: Orphanet 475, MedGen C5979921, MONDO:0018772.
Meckel-Gruber syndrome. Also called: DYSENCEPHALIA SPLANCHNOCYSTICA; GRUBER SYNDROME; Dysencephalia splachnocystica. Identifiers: Orphanet 564, MedGen C0265215, MONDO:0018921.

Submission:

Labcorp Genetics (formerly Invitae), Labcorp
Classification: Pathogenic for Joubert syndrome; Meckel-Gruber syndrome. Last evaluated: 2025-03-17. Review status: criteria provided, single submitter. Criteria: Invitae Variant Classification Sherloc (09022015). Collection method: clinical testing. Allele origin: germline.
Comment: This sequence change creates a premature translational stop signal (p.Ser1093Profs*41) in the RPGRIP1L gene. It is expected to result in an absent or disrupted protein product. Loss-of-function variants in RPGRIP1L are known to be pathogenic (PMID: 17558409). This variant is not present in population databases (gnomAD no frequency). This variant has not been reported in the literature in individuals affected with RPGRIP1L-related conditions. ClinVar contains an entry for this variant (Variation ID: 2017042). For these reasons, this variant has been classified as Pathogenic.

Literature cited by the submitters: PubMed 17558409.

NM_015272.5(RPGRIP1L):c.3277del (p.Ser1093fs)

Gene: RPGRIP1L (RPGRIP1 like; minus strand). Cytogenetic location: 16q12.2.
Variant type: Deletion.
Coding change: c.3277del on transcript NM_015272.5 (MANE Select); coding-DNA position 3277, one base deleted (T; older notation c.3277delT).
Protein change: p.Ser1093fs; shifts the reading frame from serine 1093.
Molecular consequence: frameshift variant.
Genome position (GRCh38, 1-based): chr16:53,636,456, A deleted on the plus strand (T on the coding strand, the reverse complement: RPGRIP1L is on the minus strand). VCF-style (leftmost placement, unchanged base first): chr16-53636455-GA-G. GRCh37 (hg19) VCF-style: chr16-53670367-GA-G.
Other names: c.3175del, p.Ser1059fs (NM_001127897.4, NM_001330538.2); c.3277del, p.Ser1093fs (NM_001308334.3); short protein forms S1059fs, S1093fs.
Identifiers: ClinVar variation 2017042 (VCV002017042.4), dbSNP rs2543965279, ClinGen allele CA2580091588.